The following is an entry in ClinVar:

ClinVar aggregate classification (germline): Uncertain significance (1 of 4 stars; one submission).

Conditions:
Inborn genetic diseases. Identifiers: MedGen C0950123, MeSH D030342.

Submission:

Ambry Genetics
Classification: Uncertain significance for Inborn genetic diseases. Last evaluated: 2025-01-25. Review status: criteria provided, single submitter. Criteria: Ambry Variant Classification Scheme 2023. Collection method: clinical testing. Allele origin: germline.
Comment: The p.E51Q variant (also known as c.151G>C), located in coding exon 1 of the SH2B3 gene, results from a G to C substitution at nucleotide position 151. The glutamic acid at codon 51 is replaced by glutamine, an amino acid with highly similar properties. This amino acid position is conserved. In addition, this alteration is predicted to be tolerated by in silico analysis. Based on the available evidence, the clinical significance of this variant remains unclear.

NM_005475.3(SH2B3):c.151G>C (p.Glu51Gln)

Gene: SH2B3 (SH2B adaptor protein 3; plus strand). Cytogenetic location: 12q24.12.
Variant type: single nucleotide variant.
Coding change: c.151G>C on transcript NM_005475.3 (MANE Select); coding-DNA position 151, G replaced by C.
Protein change: p.Glu51Gln; replaces glutamic acid 51 with glutamine.
Molecular consequence: missense variant.
Genome position (GRCh38, 1-based): chr12:111,418,296, G>C. VCF-style: chr12-111418296-G-C. GRCh37 (hg19) VCF-style: chr12-111856100-G-C.
Other names: short protein forms E51Q.
Identifiers: ClinVar variation 3795140 (VCV003795140.1).